The following is an entry in ClinVar:

ClinVar aggregate classification (germline): Conflicting classifications of pathogenicity. Review status: criteria provided, conflicting classifications (1 of 4 stars). 2 submissions from 2 submitters: Uncertain significance (1); Likely benign (1). Last evaluated 2025-08-20.

Conditions:
Hereditary cancer-predisposing syndrome. Also called: Neoplastic Syndromes, Hereditary; Hereditary Cancer Syndrome; Hereditary neoplastic syndrome; Tumor predisposition. Identifiers: Orphanet 140162, MedGen C0027672, MeSH D009386, MONDO:0015356.
Hereditary breast ovarian cancer syndrome. Also called: Hereditary breast and ovarian cancer syndrome (HBOC); Breast and ovarian cancer; BRCA1- and BRCA2-Associated Hereditary Breast and Ovarian Cancer; Hereditary breast and ovarian cancer syndrome; Hereditary breast and ovarian cancer; Hereditary breast and/or ovarian cancer syndrome. Identifiers: Orphanet 145, MedGen C0677776, MeSH D061325, MONDO:0003582. Disease mechanism: loss of function.

Submissions (2):

Color Diagnostics, LLC DBA Color Health
Classification: Likely benign for Hereditary cancer-predisposing syndrome. Last evaluated: 2025-08-20. Review status: criteria provided, single submitter. Criteria: ACMG Guidelines, 2015. Collection method: clinical testing. Allele origin: germline.

Labcorp Genetics (formerly Invitae), Labcorp
Classification: Uncertain significance for Hereditary breast ovarian cancer syndrome. Last evaluated: 2023-09-09. Review status: criteria provided, single submitter. Criteria: Invitae Variant Classification Sherloc (09022015). Collection method: clinical testing. Allele origin: germline.
Comment: This sequence change replaces glutamic acid, which is acidic and polar, with lysine, which is basic and polar, at codon 1060 of the BRCA1 protein (p.Glu1060Lys). This variant is not present in population databases (gnomAD no frequency). This variant has not been reported in the literature in individuals affected with BRCA1-related conditions. Advanced modeling of protein sequence and biophysical properties (such as structural, functional, and spatial information, amino acid conservation, physicochemical variation, residue mobility, and thermodynamic stability) performed at Invitae indicates that this missense variant is not expected to disrupt BRCA1 protein function. In summary, the available evidence is currently insufficient to determine the role of this variant in disease. Therefore, it has been classified as a Variant of Uncertain Significance.

NM_007294.4(BRCA1):c.3178G>A (p.Glu1060Lys)

Gene: BRCA1 (BRCA1 DNA repair associated; minus strand). Cytogenetic location: 17q21.31.
Variant type: single nucleotide variant.
Coding change: c.3178G>A on transcript NM_007294.4 (MANE Select); coding-DNA position 3178, G replaced by A.
Protein change: p.Glu1060Lys; replaces glutamic acid 1060 with lysine.
Molecular consequence: missense variant. On other transcripts: intron variant (137).
Genome position (GRCh38, 1-based): chr17:43,092,353, C>T on the plus strand (G>A on the coding strand, the complement: BRCA1 is on the minus strand). VCF-style: chr17-43092353-C-T. GRCh37 (hg19) VCF-style: chr17-41244370-C-T.
Other names: c.2914G>A, p.Glu972Lys (NM_001407927.1, NM_001407928.1, NM_001407929.1 and 9 more transcripts); c.2911G>A, p.Glu971Lys (NM_001407930.1, NM_001407932.1, NM_001407931.1 and 2 more transcripts); c.3037G>A, p.Glu1013Lys (NM_001407944.1, NM_001407945.1, NM_007297.4 and 29 more transcripts); c.2845G>A, p.Glu949Lys (NM_001407946.1, NM_001407947.1, NM_001407948.1 and 6 more transcripts); c.2842G>A, p.Glu948Lys (NM_001407954.1, NM_001407955.1, NM_001407956.1 and 1 more transcripts); c.2797G>A, p.Glu933Lys (NM_001407959.1, NM_001407960.1, NM_001407963.1); c.2794G>A, p.Glu932Lys (NM_001407962.1); c.3034G>A, p.Glu1012Lys (NM_001407964.1, NM_001407740.1, NM_001407741.1 and 20 more transcripts); and 41 more; short protein forms E1013K, E1018K, E1019K, E1034K, E972K, E993K, E1059K, E1060K.
Identifiers: ClinVar variation 2845678 (VCV002845678.4), dbSNP rs80357424, ClinGen allele CA10595630.